The following is an entry in ClinVar:

ClinVar aggregate classification (germline): not provided (0 of 4 stars; one submission).

Conditions:
Normal pregnancy. Identifiers: MedGen C0232989.

Submission:

Institute of Molecular and Cell Biology, University of Tartu
No classification provided. Condition: Normal pregnancy. Review status: no classification provided. Collection method: case-control. Allele origin: unknown. Affected: yes. Study: Kasak2014.
Comment: The study aimed to determine the contribution of copy number variants in the genetic etiology of normal and complicated pregnancies. The samples represented (i) maternal blood DNA drawn from healthy pregnant women during 1st or 2nd trimester and (ii) maternal and paternal blood DNA drawn at term pregnancy cases representing normal and complicated gestations (severe preeclampsia, PE; gestational diabetes, GD; small-for-gestational age newborn, SGA; large-for-gestational age newborn, LGA). We performed CNV calling based on genome-wide genotyping dataset (Illumina HumanOmniExpress-24-v1 BeadChip) by applying three algorithms, QuantiSNP, GADA (Genome Alteration Detection Algorithm) and CNstream in parallel. The acquired CNV calls were merged with HD-CNV (Hotspot Detector for Copy Number Variants) program and only the CNVs predicted by at least two programs, were considered in subsequent analysis.

Literature cited by the submitters: PubMed 25666259.

Single allele

Variant type: Deletion.
Identifiers: ClinVar variation 156917 (VCV000156917.2).